The following is an entry in ClinVar:

ClinVar aggregate classification (germline): Uncertain significance (1 of 4 stars; one submission).

gnomAD v4.1: 1 of 1,614,148 alleles (0.000062%); highest among the groups gnomAD compares: Non-Finnish European, 0.000085%; no homozygotes.

Submission:

GeneDx
Classification: Uncertain significance. Last evaluated: 2021-10-20. Review status: criteria provided, single submitter. Criteria: GeneDx Variant Classification Process June 2021. Collection method: clinical testing. Allele origin: germline. Affected: yes.
Comment: Not observed at significant frequency in large population cohorts (gnomAD); In silico analysis supports that this missense variant has a deleterious effect on protein structure/function; Has not been previously published as pathogenic or benign to our knowledge

NM_001374828.1(ARID1B):c.3860C>G (p.Pro1287Arg)

Gene: ARID1B (AT-rich interaction domain 1B; plus strand). Cytogenetic location: 6q25.3.
Variant type: single nucleotide variant.
Coding change: c.3860C>G on transcript NM_001374828.1 (MANE Select); coding-DNA position 3860, C replaced by G.
Protein change: p.Pro1287Arg; replaces proline 1287 with arginine.
Molecular consequence: missense variant.
Genome position (GRCh38, 1-based): chr6:157,184,376, C>G. VCF-style: chr6-157184376-C-G. GRCh37 (hg19) VCF-style: chr6-157505510-C-G.
Other names: c.3491C>G (NM_020732.3); c.1361C>G, p.Pro454Arg (NM_001363725.2); c.3740C>G, p.Pro1247Arg (NM_001371656.1, NM_001374820.1); c.3701C>G, p.Pro1234Arg (NM_017519.3); short protein forms P1234R, P1247R, P1287R, P454R.
Identifiers: ClinVar variation 1678703 (VCV001678703.2), dbSNP rs754303482, ClinGen allele CA366230623.